The following is an entry in ClinVar:

ClinVar aggregate classification (germline): Uncertain significance (1 of 4 stars; one submission).

Conditions:
Hereditary sensory and autonomic neuropathy type 6. Also called: Neuropathy, hereditary sensory and autonomic, type VI; HSAN VI. Identifiers: Orphanet 314381, MedGen C3539003, MONDO:0013839, OMIM 614653.
Epidermolysis bullosa simplex 3, localized or generalized intermediate, with BP230 deficiency (EBS3). Also called: Epidermolysis bullosa simplex, autosomal recessive 2; Epidermolysis bullosa simplex due to BP230 deficiency. Identifiers: Orphanet 412181, MedGen C3809470, MONDO:0014180, OMIM 615425.

Allele frequency attached by ClinVar (database versions not stated): gnomAD exomes below 0.00001; ExAC 0.00001; TOPMed 0.00001; gnomAD 0.00002.
gnomAD v4.1: 5 of 1,573,980 alleles (0.00032%); highest among the groups gnomAD compares: Non-Finnish European, 0.00043%; no homozygotes.

Submission:

Labcorp Genetics (formerly Invitae), Labcorp
Classification: Uncertain significance for Epidermolysis bullosa simplex 3, localized or generalized intermediate, with BP230 deficiency; Hereditary sensory and autonomic neuropathy type 6. Last evaluated: 2022-04-22. Review status: criteria provided, single submitter. Criteria: Invitae Variant Classification Sherloc (09022015). Collection method: clinical testing. Allele origin: germline.
Comment: The DST gene has multiple clinically relevant transcripts. This variant occurs in alternate transcript NM_015548.4, and corresponds to NM_001723.5:c.*16818A>T in the primary transcript. This sequence change replaces lysine, which is basic and polar, with isoleucine, which is neutral and non-polar, at codon 1279 of the DST protein (p.Lys1279Ile). This variant is present in population databases (rs750809305, gnomAD 0.002%). This variant has not been reported in the literature in individuals affected with DST-related conditions. Experimental studies and prediction algorithms are not available or were not evaluated, and the functional significance of this variant is currently unknown. In summary, the available evidence is currently insufficient to determine the role of this variant in disease. Therefore, it has been classified as a Variant of Uncertain Significance.

NM_001374736.1(DST):c.11705A>T (p.Lys3902Ile)

Gene: DST (dystonin; minus strand). Cytogenetic location: 6p12.1.
Variant type: single nucleotide variant.
Coding change: c.11705A>T on transcript NM_001374736.1 (MANE Select); coding-DNA position 11705, A replaced by T.
Protein change: p.Lys3902Ile; replaces lysine 3902 with isoleucine.
Molecular consequence: missense variant.
Genome position (GRCh38, 1-based): chr6:56,598,699, T>A on the plus strand (A>T on the coding strand, the complement: DST is on the minus strand). VCF-style: chr6-56598699-T-A. GRCh37 (hg19) VCF-style: chr6-56463497-T-A.
Other names: c.5348A>T, p.Lys1783Ile (NM_001144769.5); c.4934A>T, p.Lys1645Ile (NM_001144770.2); c.11705A>T, p.Lys3902Ile (NM_001374722.1); c.11072A>T, p.Lys3691Ile (NM_001374729.1); c.4814A>T, p.Lys1605Ile (NM_001374730.1, NM_001386100.1, NM_183380.4); c.11732A>T, p.Lys3911Ile (NM_001374734.1); c.3836A>T, p.Lys1279Ile (NM_015548.5); short protein forms K3902I, K3911I, K1645I, K1605I, K1783I, K1279I, K3691I.
Identifiers: ClinVar variation 2057366 (VCV002057366.2), dbSNP rs750809305, ClinGen allele CA3868587.